The following is an entry in ClinVar:

ClinVar aggregate classification (germline): Uncertain significance (1 of 4 stars; one submission).

gnomAD v4.1: 10 of 1,613,718 alleles (0.00062%); highest among the groups gnomAD compares: South Asian, 0.0088%; no homozygotes.

Submission:

GeneDx
Classification: Uncertain significance. Last evaluated: 2024-05-13. Review status: criteria provided, single submitter. Criteria: GeneDx Variant Classification Process June 2021. Collection method: clinical testing. Allele origin: germline. Affected: yes.
Comment: In silico analysis indicates that this missense variant does not alter protein structure/function; Has not been previously published as pathogenic or benign to our knowledge

NM_001378609.3(OTOGL):c.5781G>C (p.Trp1927Cys)

Gene: OTOGL (otogelin like; plus strand). Cytogenetic location: 12q21.31.
Variant type: single nucleotide variant.
Coding change: c.5781G>C on transcript NM_001378609.3 (MANE Select); coding-DNA position 5781, G replaced by C.
Protein change: p.Trp1927Cys; replaces tryptophan 1927 with cysteine.
Molecular consequence: missense variant.
Genome position (GRCh38, 1-based): chr12:80,355,923, G>C. VCF-style: chr12-80355923-G-C. GRCh37 (hg19) VCF-style: chr12-80749703-G-C.
Other names: c.5646G>C, p.Trp1882Cys (NM_001368062.3); c.5781G>C, p.Trp1927Cys (NM_001378610.3, NM_173591.7); short protein forms W1882C, W1927C.
Identifiers: ClinVar variation 3378171 (VCV003378171.1).